The following is an entry in ClinVar:

ClinVar aggregate classification (germline): Likely benign. Review status: criteria provided, single submitter (1 of 4 stars). 2 submissions from 2 submitters: Likely benign (1). 1 of the submissions does not count toward it. Last evaluated 2025-09-18.

Conditions:
FOCAD-related disorder. Also called: FOCAD-related condition.

Allele frequency attached by ClinVar (database versions not stated): 1000 Genomes Project 30x 0.00031; TOPMed 0.00003; ESP Exome Variant Server 0.00008; ExAC 0.00043; gnomAD 0.00013; 1000 Genomes Project 0.00040.
gnomAD v4.1: 310 of 1,612,326 alleles (0.019%); highest among the groups gnomAD compares: South Asian, 0.31%; 6 homozygotes.

Submissions (2):

Labcorp Genetics (formerly Invitae), Labcorp
Classification: Likely benign. Last evaluated: 2025-09-18. Review status: criteria provided, single submitter. Criteria: Invitae Variant Classification Sherloc (09022015). Collection method: clinical testing. Allele origin: germline.

PreventionGenetics, part of Exact Sciences
Classification: Likely benign for FOCAD-related condition. Last evaluated: 2020-11-07. Review status: no assertion criteria provided. Collection method: clinical testing. Allele origin: germline. Not counted in ClinVar's aggregate classification.
Comment: This variant is classified as likely benign based on ACMG/AMP sequence variant interpretation guidelines (Richards et al. 2015 PMID: 25741868, with internal and published modifications).

NM_001375567.1(FOCAD):c.3545C>T (p.Thr1182Met)

Gene: FOCAD (focadhesin; plus strand). Cytogenetic location: 9p21.3.
Variant type: single nucleotide variant.
Coding change: c.3545C>T on transcript NM_001375567.1 (MANE Select); coding-DNA position 3545, C replaced by T.
Protein change: p.Thr1182Met; replaces threonine 1182 with methionine.
Molecular consequence: missense variant.
Genome position (GRCh38, 1-based): chr9:20,944,764, C>T. VCF-style: chr9-20944764-C-T. GRCh37 (hg19) VCF-style: chr9-20944763-C-T.
Other names: c.3440C>T, p.Thr1147Met (NM_001375568.1, NM_001375570.1); c.3545C>T, p.Thr1182Met (NM_017794.5); short protein forms T1147M, T1182M.
Identifiers: ClinVar variation 3039704 (VCV003039704.4), dbSNP rs138621144, ClinGen allele CA5007587.